The following is an entry in ClinVar:

ClinVar aggregate classification (germline): Pathogenic (1 of 4 stars; one submission).

Conditions:
Kabuki syndrome. Also called: Kabuki make-up syndrome; NIIKAWA-KUROKI SYNDROME. Identifiers: Orphanet 2322, MedGen C0796004, MONDO:0016512.

Submission:

Labcorp Genetics (formerly Invitae), Labcorp
Classification: Pathogenic for Kabuki syndrome. Last evaluated: 2019-12-27. Review status: criteria provided, single submitter. Criteria: Invitae Variant Classification Sherloc (09022015). Collection method: clinical testing. Allele origin: germline.
Comment: For these reasons, this variant has been classified as Pathogenic. This sequence change creates a premature translational stop signal (p.Ser588Thrfs*16) in the KMT2D gene. It is expected to result in an absent or disrupted protein product. This variant is not present in population databases (ExAC no frequency). This variant has not been reported in the literature in individuals with KMT2D-related conditions. Loss-of-function variants in KMT2D are known to be pathogenic (PMID: 22126750).

Literature cited by the submitters: PubMed 22126750.

NM_003482.4(KMT2D):c.1762_1763del (p.Ser588fs)

Gene: KMT2D (lysine methyltransferase 2D; minus strand). Cytogenetic location: 12q13.12.
Variant type: Deletion.
Coding change: c.1762_1763del on transcript NM_003482.4 (MANE Select); coding-DNA positions 1762 to 1763, 2 bases deleted (TC; older notation c.1762_1763delTC).
Protein change: p.Ser588fs; shifts the reading frame from serine 588.
Molecular consequence: frameshift variant.
Genome position (GRCh38, 1-based): chr12:49,051,920-49,051,921, GA deleted on the plus strand (TC on the coding strand, the reverse complement: KMT2D is on the minus strand). VCF-style (leftmost placement, unchanged base first): chr12-49051919-TGA-T. GRCh37 (hg19) VCF-style: chr12-49445702-TGA-T.
Other names: short protein forms S588fs.
Identifiers: ClinVar variation 843792 (VCV000843792.8), dbSNP rs1938072820, ClinGen allele CA916083305.